The following is an entry in ClinVar:

NM_005751.5(AKAP9):c.4534GAA[1] (p.Glu1513del)

Gene: AKAP9 (A-kinase anchoring protein 9; plus strand). Cytogenetic location: 7q21.2.
Variant type: Microsatellite.
Coding change: c.4534GAA[1] on transcript NM_005751.5 (MANE Select); one copy of the 3-base unit GAA starting at c.4534; the reference has two copies in a row; one copy, 3 bases deleted; also written c.4537_4539del.
Protein change: p.Glu1513del; deletes glutamic acid 1513.
Molecular consequence: inframe deletion.
Genome position (GRCh38, 1-based): chr7:92,038,617-92,038,619, GAA deleted; deleting any 3 consecutive bases within chr7:92,038,612-92,038,619 gives the same sequence; the position shown is the placement nearest the transcript's 3' end. VCF-style (leftmost placement, unchanged base first): chr7-92038611-AAAG-A. GRCh37 (hg19) VCF-style: chr7-91667925-AAAG-A.
Other names: c.4534GAA[1], p.Glu1513del (NM_147185.3); c.4537_4539delGAA (NM_005751.4); c.4537_4539del (NM_005751.5); short protein forms E1513del.
Identifiers: ClinVar variation 360828 (VCV000360828.17), dbSNP rs764066037, ClinGen allele CA4336584.
Genomic context (GRCh38, chr7:92,038,611, plus strand): 5'-ATGAAATTATCACAGGATCAAATTGGTTTTCAGACTTTTGAGACAGTGGATGTGAAATTT[AAAG>A]AAGAATTTAAACCACTTAGTAAAGAGTTAGGAGAACATGGAAAGGAAATTTTATTATCAA-3'

ClinVar aggregate classification (germline): Uncertain significance. Review status: criteria provided, multiple submitters, no conflicts (2 of 4 stars). 3 submissions from 3 submitters: Uncertain significance (3). Last evaluated 2025-07-29.

Conditions:
Long QT syndrome 11 (LQT11). Identifiers: Orphanet 101016, Orphanet 768, MedGen C2678483, MONDO:0012738, OMIM 611820.
Cardiovascular phenotype. Identifiers: MedGen CN230736.
Long QT syndrome (LQTS). Identifiers: MedGen C0023976, MeSH D008133, MONDO:0002442. Disease mechanism: loss of function. Inheritance: Various modes of inheritance.

Submissions (3):

Labcorp Genetics (formerly Invitae), Labcorp
Classification: Uncertain significance for Long QT syndrome. Last evaluated: 2025-07-29. Review status: criteria provided, single submitter. Criteria: Invitae Variant Classification Sherloc (09022015). Collection method: clinical testing. Allele origin: germline.
Comment: This variant, c.4537_4539del, results in the deletion of 1 amino acid(s) of the AKAP9 protein (p.Glu1513del), but otherwise preserves the integrity of the reading frame. This variant is present in population databases (rs764066037, gnomAD 0.004%). This variant has not been reported in the literature in individuals affected with AKAP9-related conditions. Experimental studies and prediction algorithms are not available or were not evaluated, and the functional significance of this variant is currently unknown. In summary, the available evidence is currently insufficient to determine the role of this variant in disease. Therefore, it has been classified as a Variant of Uncertain Significance.

Fulgent Genetics
Classification: Uncertain significance for Long QT syndrome 11. Last evaluated: 2021-09-16. Review status: criteria provided, single submitter. Criteria: ACMG Guidelines, 2015. Collection method: clinical testing. Allele origin: unknown.

Ambry Genetics
Classification: Uncertain significance for Cardiovascular phenotype. Last evaluated: 2017-05-16. Review status: criteria provided, single submitter. Criteria: Ambry Variant Classification Scheme 2023. Collection method: clinical testing. Allele origin: germline.
Comment: The c.4537_4539delGAA variant (also known as p.E1513del) is located in coding exon 17 of the AKAP9 gene. This variant results from an in-frame GAA deletion at nucleotide positions 4537 to 4539. This results in the in-frame deletion of a glutamic acid at codon 1513. This amino acid position is highly conserved in available vertebrate species. Since supporting evidence is limited at this time, the clinical significance of this alteration remains unclear.